The following is an entry in ClinVar:

ClinVar aggregate classification (germline): Likely benign. Review status: reviewed by expert panel (3 of 4 stars). 8 submissions from 8 submitters: Likely benign (1). 7 of the submissions do not count toward it. Last evaluated 2017-06-29.

Conditions:
Hereditary cancer-predisposing syndrome. Also called: Hereditary Cancer Syndrome; Hereditary neoplastic syndrome; Tumor predisposition; Neoplastic Syndromes, Hereditary. Identifiers: Orphanet 140162, MedGen C0027672, MeSH D009386, MONDO:0015356.
Hereditary breast ovarian cancer syndrome. Also called: Hereditary breast and ovarian cancer syndrome; Hereditary breast and ovarian cancer syndrome (HBOC); BRCA1- and BRCA2-Associated Hereditary Breast and Ovarian Cancer; Breast and ovarian cancer; Hereditary breast and ovarian cancer; Hereditary breast and/or ovarian cancer syndrome. Identifiers: Orphanet 145, MedGen C0677776, MeSH D061325, MONDO:0003582. Disease mechanism: loss of function.
Breast-ovarian cancer, familial, susceptibility to, 1 (BROVCA1). Also called: OVARIAN CANCER, SUSCEPTIBILITY TO; BRCA1 Hereditary Breast and Ovarian Cancer. Identifiers: Orphanet 145, MedGen C2676676, MONDO:0011450, OMIM 604370. Disease mechanism: loss of function.
BRCA1-related cancer predisposition. Identifiers: MedGen CN377757, MONDO:0700268.

Allele frequency attached by ClinVar (database versions not stated): gnomAD 0.00001; gnomAD exomes 0.00001; TOPMed 0.00002.
gnomAD v4.1: 12 of 1,613,644 alleles (0.00074%); highest among the groups gnomAD compares: Non-Finnish European, 0.001%; no homozygotes.

Submissions (8):

Evidence-based Network for the Interpretation of Germline Mutant Alleles (ENIGMA)
Classification: Likely benign for Breast-ovarian cancer, familial, susceptibility to, 1. Last evaluated: 2017-06-29. Review status: reviewed by expert panel. Criteria: ENIGMA BRCA1/2 Classification Criteria (2017-06-29). Collection method: curation. Allele origin: germline.
Comment: Synonymous substitution variant, with low bioinformatic likelihood to result in a splicing aberration (Splicing prior probability 0.02).

Labcorp Genetics (formerly Invitae), Labcorp
Classification: Likely benign for Hereditary breast ovarian cancer syndrome. Last evaluated: 2025-06-02. Review status: criteria provided, single submitter. Criteria: Invitae Variant Classification Sherloc (09022015). Collection method: clinical testing. Allele origin: germline. Not counted in ClinVar's aggregate classification.

All of Us Research Program, National Institutes of Health
Classification: Likely benign for BRCA1-related cancer predisposition. Last evaluated: 2024-05-30. Review status: criteria provided, single submitter. Criteria: ACMG Guidelines, 2015. Collection method: clinical testing. Allele origin: germline. Inheritance: Autosomal dominant inheritance. Observed: 4 variant alleles, 4 heterozygotes. Not counted in ClinVar's aggregate classification.
Comment: This study involves interpretation of variants in research participants for the purpose of population health screening. Participant phenotype was not available at the time of variant classification. Additional details can be found in publication PMID: 35346344, PMCID: PMC8962531

Blueprint Genetics
Classification: Likely benign. Last evaluated: 2022-01-13. Review status: criteria provided, single submitter. Criteria: ACMG Guidelines, 2015. Collection method: clinical testing. Allele origin: germline. Not counted in ClinVar's aggregate classification.

Quest Diagnostics Nichols Institute San Juan Capistrano
Classification: Likely benign. Last evaluated: 2017-12-15. Review status: criteria provided, single submitter. Criteria: Quest Diagnostics criteria. Collection method: clinical testing. Allele origin: germline. Not counted in ClinVar's aggregate classification.

Color Diagnostics, LLC DBA Color Health
Classification: Likely benign for Hereditary cancer-predisposing syndrome. Last evaluated: 2017-11-20. Review status: criteria provided, single submitter. Criteria: ACMG Guidelines, 2015. Collection method: clinical testing. Allele origin: germline. Not counted in ClinVar's aggregate classification.

Ambry Genetics
Classification: Likely benign for Hereditary cancer-predisposing syndrome. Last evaluated: 2014-12-11. Review status: criteria provided, single submitter. Criteria: Ambry Variant Classification Scheme 2023. Collection method: clinical testing. Allele origin: germline. Not counted in ClinVar's aggregate classification.

GeneDx
Classification: Benign. Last evaluated: 2014-08-11. Review status: criteria provided, single submitter. Criteria: GeneDx Variant Classification (06012015). Collection method: clinical testing. Allele origin: germline. Affected: yes. Not counted in ClinVar's aggregate classification.
Comment: This variant is considered likely benign or benign based on one or more of the following criteria: it is a conservative change, it occurs at a poorly conserved position in the protein, it is predicted to be benign by multiple in silico algorithms, and/or has population frequency not consistent with disease.

NM_007294.4(BRCA1):c.4419T>A (p.Ser1473=)

Gene: BRCA1 (BRCA1 DNA repair associated; minus strand). Cytogenetic location: 17q21.31.
Variant type: single nucleotide variant.
Coding change: c.4419T>A on transcript NM_007294.4 (MANE Select); coding-DNA position 4419, T replaced by A.
Protein change: p.Ser1473=; no amino-acid change (serine 1473 retained).
Molecular consequence: synonymous variant. On other transcripts: intron variant (3).
Genome position (GRCh38, 1-based): chr17:43,076,553, A>T on the plus strand (T>A on the coding strand, the complement: BRCA1 is on the minus strand). VCF-style: chr17-43076553-A-T. GRCh37 (hg19) VCF-style: chr17-41228570-A-T.
Other names: p.S1473S:TCT>TCA; c.836-5315T>A (NM_001408513.1); c.4214-5315T>A (NM_001407964.1); c.838+5851T>A (NM_001408514.1); c.4482T>A, p.Ser1494= (NM_001407583.1, NM_001407585.1, NM_001407587.1 and 1 more transcripts); c.4479T>A, p.Ser1493= (NM_001407590.1, NM_001407591.1); c.4419T>A, p.Ser1473= (NM_001407593.1, NM_001407594.1, NM_001407596.1 and 8 more transcripts); c.4416T>A, p.Ser1472= (NM_001407610.1, NM_001407611.1, NM_001407612.1 and 17 more transcripts); and 72 more.
Identifiers: ClinVar variation 182096 (VCV000182096.25), dbSNP rs730881455, ClinGen allele CA002843.